The following is an entry in ClinVar:

NM_005027.4(PIK3R2):c.1643C>T (p.Ala548Val)

Gene: PIK3R2 (phosphoinositide-3-kinase regulatory subunit 2; plus strand). Cytogenetic location: 19p13.11.
Variant type: single nucleotide variant.
Coding change: c.1643C>T on transcript NM_005027.4 (MANE Select); coding-DNA position 1643, C replaced by T.
Protein change: p.Ala548Val; replaces alanine 548 with valine.
Molecular consequence: missense variant. On other transcripts: non-coding transcript variant (2).
Genome position (GRCh38, 1-based): chr19:18,167,213, C>T. VCF-style: chr19-18167213-C-T. GRCh37 (hg19) VCF-style: chr19-18278023-C-T.
Other names: c.1643C>T, p.Ala548Val (LRG_1392t1); short protein forms A548V.
Identifiers: ClinVar variation 468318 (VCV000468318.45), dbSNP rs10413655, ClinGen allele CA9307090.

ClinVar aggregate classification (germline): Benign/Likely benign. Review status: criteria provided, multiple submitters, no conflicts (2 of 4 stars). 5 submissions from 5 submitters: Benign (3); Likely benign (2). Last evaluated 2026-09-01.

Conditions:
Megalencephaly-polymicrogyria-postaxial polydactyly-hydrocephalus syndrome. Also called: MEG-PMG-MEGACC SYNDROME; MPPH Syndrome. Identifiers: Orphanet 83473, MedGen C1863924, MONDO:0019375.

Allele frequency attached by ClinVar (database versions not stated): gnomAD exomes 0.00076 and 0.00138; ExAC 0.00139; gnomAD 0.00226 and 0.00240; 1000 Genomes Project 0.00260; ESP Exome Variant Server 0.00277; 1000 Genomes Project 30x 0.00281; TOPMed 0.00287.
gnomAD v4.1: 1,529 of 1,611,792 alleles (0.095%); highest among the groups gnomAD compares: African/African-American, 0.61%; 9 homozygotes.

Submissions (5):

CeGaT Center for Human Genetics Tuebingen
Classification: Likely benign. Last evaluated: 2026-09-01. Review status: criteria provided, single submitter. Criteria: CeGaT Center For Human Genetics Tuebingen Variant Classification Criteria Version 2. Collection method: clinical testing. Allele origin: germline. Affected: yes. Observed: 9 variant alleles.
Comment: PIK3R2: BP4, BS1

Labcorp Genetics (formerly Invitae), Labcorp
Classification: Benign for Megalencephaly-polymicrogyria-postaxial polydactyly-hydrocephalus syndrome. Last evaluated: 2026-01-24. Review status: criteria provided, single submitter. Criteria: Invitae Variant Classification Sherloc (09022015). Collection method: clinical testing. Allele origin: germline.

Blueprint Genetics
Classification: Likely benign. Last evaluated: 2024-07-30. Review status: criteria provided, single submitter. Criteria: ACMG Guidelines, 2015. Collection method: clinical testing. Allele origin: germline.

GeneDx
Classification: Benign. Last evaluated: 2019-12-26. Review status: criteria provided, single submitter. Criteria: GeneDx Variant Classification Process June 2021. Collection method: clinical testing. Allele origin: germline. Affected: yes.

Breakthrough Genomics
Classification: Benign. Review status: criteria provided, single submitter. Criteria: ACMG Guidelines, 2015. Collection method: not provided. Allele origin: germline. Inheritance: Autosomal dominant inheritance. Affected: yes.